The following is an entry in ClinVar:

ClinVar aggregate classification (germline): Uncertain significance. Review status: criteria provided, multiple submitters, no conflicts (2 of 4 stars). 2 submissions from 2 submitters: Uncertain significance (2). Last evaluated 2025-03-22.

gnomAD v4.1: 1 of 1,185,426 alleles (0.000084%); highest among the groups gnomAD compares: Non-Finnish European, 0.0001%; no homozygotes.

Submissions (2):

Ambry Genetics
Classification: Uncertain significance. Last evaluated: 2025-03-22. Review status: criteria provided, single submitter. Criteria: Ambry Variant Classification Scheme 2023. Collection method: clinical testing. Allele origin: germline.

Labcorp Genetics (formerly Invitae), Labcorp
Classification: Uncertain significance. Last evaluated: 2021-12-10. Review status: criteria provided, single submitter. Criteria: Invitae Variant Classification Sherloc (09022015). Collection method: clinical testing. Allele origin: germline.
Comment: In summary, the available evidence is currently insufficient to determine the role of this variant in disease. Therefore, it has been classified as a Variant of Uncertain Significance. This sequence change replaces arginine, which is basic and polar, with cysteine, which is neutral and slightly polar, at codon 959 of the CACNA1B protein (p.Arg959Cys). This variant is not present in population databases (gnomAD no frequency). This variant has not been reported in the literature in individuals affected with CACNA1B-related conditions. Advanced modeling of protein sequence and biophysical properties (such as structural, functional, and spatial information, amino acid conservation, physicochemical variation, residue mobility, and thermodynamic stability) performed at Invitae indicates that this missense variant is not expected to disrupt CACNA1B protein function.

NM_000718.4(CACNA1B):c.2875C>T (p.Arg959Cys)

Gene: CACNA1B (calcium voltage-gated channel subunit alpha1 B; plus strand). Cytogenetic location: 9q34.3.
Variant type: single nucleotide variant.
Coding change: c.2875C>T on transcript NM_000718.4 (MANE Select); coding-DNA position 2875, C replaced by T.
Protein change: p.Arg959Cys; replaces arginine 959 with cysteine.
Molecular consequence: missense variant.
Genome position (GRCh38, 1-based): chr9:138,023,618, C>T. VCF-style: chr9-138023618-C-T. GRCh37 (hg19) VCF-style: chr9-140918070-C-T.
Other names: c.2875C>T, p.Arg959Cys (NM_001243812.2); c.2875C>T (NM_000718.3); short protein forms R959C.
Identifiers: ClinVar variation 1952185 (VCV001952185.6), dbSNP rs1958879632, ClinGen allele CA375810321.